The following is an entry in ClinVar:

NM_001394062.1(MACF1):c.19187C>G (p.Ala6396Gly)

Gene: MACF1 (microtubule actin crosslinking factor 1; plus strand). Cytogenetic location: 1p34.3.
Variant type: single nucleotide variant.
Coding change: c.19187C>G on transcript NM_001394062.1 (MANE Select); coding-DNA position 19187, C replaced by G.
Protein change: p.Ala6396Gly; replaces alanine 6396 with glycine.
Molecular consequence: missense variant.
Genome position (GRCh38, 1-based): chr1:39,442,796, C>G. VCF-style: chr1-39442796-C-G. GRCh37 (hg19) VCF-style: chr1-39908468-C-G.
Other names: c.7265C>G, p.Ala2422Gly (NM_001397473.1); c.13010C>G, p.Ala4337Gly (NM_012090.5); short protein forms A4337G, A6396G, A2422G.
Identifiers: ClinVar variation 5006509 (VCV005006509.2).

ClinVar aggregate classification (germline): Uncertain significance (1 of 4 stars; one submission).

Conditions:
Lissencephaly 9 with complex brainstem malformation. Identifiers: Orphanet 572013, MedGen C5193029, MONDO:0032677, OMIM 618325.

Submission:

Juno Genomics, Hangzhou Juno Genomics, Inc
Classification: Uncertain significance for Lissencephaly 9 with complex brainstem malformation. Review status: criteria provided, single submitter. Criteria: ACMG Guidelines, 2015. Collection method: clinical testing. Allele origin: germline.
Comment: Absent from controls (or at extremely low frequency if recessive) in Genome Aggregation Database.;Missense variant in a gene that has a low rate of benign missense variation.;Multiple lines of computational evidence suggest no impact on gene or gene product.